The following is an entry in ClinVar:

ClinVar aggregate classification (germline): Conflicting classifications of pathogenicity. Review status: criteria provided, conflicting classifications (1 of 4 stars). 3 submissions from 3 submitters: Pathogenic (1); Uncertain significance (2). Last evaluated 2024-04-24.

Conditions:
Autosomal recessive limb-girdle muscular dystrophy type 2J (LGMDR10). Also called: Limb-girdle muscular dystrophy, type 2J; MUSCULAR DYSTROPHY, LIMB-GIRDLE, AUTOSOMAL RECESSIVE 10. Identifiers: Orphanet 140922, MedGen C1837342, MONDO:0012127, OMIM 608807.
Dilated cardiomyopathy 1G (CMD1G). Identifiers: Orphanet 154, MedGen C1858763, MONDO:0011400, OMIM 604145.

gnomAD v4.1: 2 of 1,613,610 alleles (0.00012%); highest among the groups gnomAD compares: Non-Finnish European, 0.00017%; no homozygotes.

Submissions (3):

Labcorp Genetics (formerly Invitae), Labcorp
Classification: Pathogenic for Dilated cardiomyopathy 1G; Autosomal recessive limb-girdle muscular dystrophy type 2J. Last evaluated: 2024-04-24. Review status: criteria provided, single submitter. Criteria: Invitae Variant Classification Sherloc (09022015). Collection method: clinical testing. Allele origin: germline.
Comment: This sequence change creates a premature translational stop signal (p.Arg8494*) in the TTN gene. While this is not anticipated to result in nonsense mediated decay, it is expected to create a truncated TTN protein. This variant is not present in population databases (gnomAD no frequency). This premature translational stop signal has been observed in individual(s) with clinical features of autosomal recessive TTN-related conditions (Invitae). In at least one individual the data is consistent with being in trans (on the opposite chromosome) from a pathogenic variant. ClinVar contains an entry for this variant (Variation ID: 198960). Algorithms developed to predict the effect of sequence changes on RNA splicing suggest that this variant may disrupt the consensus splice site. This variant is located in the I band of TTN (PMID: 25589632). Truncating variants in this region have been reported in individuals affected with autosomal recessive centronuclear myopathy (PMID: 23975875, Invitae internal data). Truncating variants in this region have also been identified in individuals affected with autosomal dominant dilated cardiomyopathy and/or cardio-related conditions (PMID: 27869827, 32964742, Invitae internal data). For these reasons, this variant has been classified as Pathogenic.

AiLife Diagnostics
Classification: Uncertain significance. Last evaluated: 2021-07-23. Review status: criteria provided, single submitter. Criteria: ACMG Guidelines, 2015. Collection method: clinical testing. Allele origin: germline. Affected: yes. Observed: 1 variant allele.

Eurofins Ntd Llc (ga)
Classification: Uncertain significance. Last evaluated: 2015-04-11. Review status: criteria provided, single submitter. Criteria: EGL Classification Definitions 2015. Collection method: clinical testing. Allele origin: germline. Observed: 1 variant allele, 1 heterozygote.

Literature cited by the submitters: PubMed 25589632 (cited by Labcorp Genetics (formerly Invitae), Labcorp); PubMed 23975875 (cited by Labcorp Genetics (formerly Invitae), Labcorp); PubMed 27869827 (cited by Labcorp Genetics (formerly Invitae), Labcorp); PubMed 32964742 (cited by Labcorp Genetics (formerly Invitae), Labcorp).

NM_001267550.2(TTN):c.25480C>T (p.Arg8494Ter)

Gene: TTN (titin; minus strand). Cytogenetic location: 2q31.2.
Variant type: single nucleotide variant.
Coding change: c.25480C>T on transcript NM_001267550.2 (MANE Select); coding-DNA position 25480, C replaced by T.
Protein change: p.Arg8494Ter; replaces arginine 8494 with a stop codon.
Molecular consequence: nonsense. On other transcripts: intron variant (3).
Genome position (GRCh38, 1-based): chr2:178,717,254, G>A on the plus strand (C>T on the coding strand, the complement: TTN is on the minus strand). VCF-style: chr2-178717254-G-A. GRCh37 (hg19) VCF-style: chr2-179581981-G-A.
Other names: c.24529C>T, p.Arg8177Ter (NM_001256850.1); c.21748C>T, p.Arg7250Ter (NM_133378.4); c.13282+20828C>T (NM_003319.4); c.13858+20828C>T (NM_133437.4); c.13657+20828C>T (NM_133432.3); short protein forms R8494*, R7250*, R8177*.
Identifiers: ClinVar variation 198960 (VCV000198960.13), dbSNP rs794727945, ClinGen allele CA247894.